The following is an entry in ClinVar:

NM_020937.4(FANCM):c.5865G>T (p.Lys1955Asn)

Gene: FANCM (FA complementation group M; plus strand). Cytogenetic location: 14q21.2.
Variant type: single nucleotide variant.
Coding change: c.5865G>T on transcript NM_020937.4 (MANE Select); coding-DNA position 5865, G replaced by T.
Protein change: p.Lys1955Asn; replaces lysine 1955 with asparagine.
Molecular consequence: missense variant.
Genome position (GRCh38, 1-based): chr14:45,198,792, G>T. VCF-style: chr14-45198792-G-T. GRCh37 (hg19) VCF-style: chr14-45667995-G-T.
Other names: c.5787G>T, p.Lys1929Asn (NM_001308133.2); short protein forms K1929N, K1955N.
Identifiers: ClinVar variation 3512977 (VCV003512977.1).

ClinVar aggregate classification (germline): Uncertain significance (1 of 4 stars; one submission).

Conditions:
Inborn genetic diseases. Identifiers: MedGen C0950123, MeSH D030342.

Submission:

Ambry Genetics
Classification: Uncertain significance for Inborn genetic diseases. Last evaluated: 2024-12-06. Review status: criteria provided, single submitter. Criteria: Ambry Variant Classification Scheme 2023. Collection method: clinical testing. Allele origin: germline.
Comment: The p.K1955N variant (also known as c.5865G>T), located in coding exon 22 of the FANCM gene, results from a G to T substitution at nucleotide position 5865. The lysine at codon 1955 is replaced by asparagine, an amino acid with similar properties. This amino acid position is conserved. In addition, this alteration is predicted to be tolerated by in silico analysis. Based on the available evidence, the clinical significance of this variant remains unclear.